The following is an entry in ClinVar:

NC_000016.9:g.(?_11643493)_(11643621_?)dup

Gene: LITAF (lipopolysaccharide induced TNF factor; minus strand). Cytogenetic location: 16p13.13.
Variant type: Duplication.
Identifiers: ClinVar variation 3243407 (VCV003243407.1).

ClinVar aggregate classification (germline): Uncertain significance (1 of 4 stars; one submission).

Conditions:
Charcot-Marie-Tooth disease type 1C. Also called: HMSN IC; CHARCOT-MARIE-TOOTH NEUROPATHY, TYPE 1C; NEUROPATHY, HEREDITARY MOTOR AND SENSORY, TYPE IC; CMT, SLOW NERVE CONDUCTION TYPE C; CHARCOT-MARIE-TOOTH DISEASE, DEMYELINATING, TYPE 1C; Charcot-Marie-Tooth disease, type IC. Identifiers: Orphanet 101083, MedGen C0270913, MONDO:0010995, OMIM 601098.

Submission:

Labcorp Genetics (formerly Invitae), Labcorp
Classification: Uncertain significance for Charcot-Marie-Tooth disease type 1C. Last evaluated: 2023-01-10. Review status: criteria provided, single submitter. Criteria: Invitae Variant Classification Sherloc (09022015). Collection method: clinical testing. Allele origin: unknown.
Comment: In summary, the available evidence is currently insufficient to determine the role of this variant in disease. Therefore, it has been classified as a Variant of Uncertain Significance. Experimental studies and prediction algorithms are not available or were not evaluated, and the functional significance of this variant is currently unknown. This variant has not been reported in the literature in individuals affected with LITAF-related conditions. This variant results in a copy number gain of the genomic region encompassing exon(s) 4 of the LITAF gene. This region includes the termination codon of the gene. This copy number gain extends beyond the assayed region for this gene and therefore may encompass additional genes. As the precise location of this event is unknown, it may be in tandem or it may be located elsewhere in the genome.